The following continues an entry in ClinVar:

NM_000051.4(ATM):c.2921+1G>A

Gene: ATM. ClinVar aggregate classification (germline): Pathogenic. Pathogenic (29). ClinVar aggregate classification (oncogenicity): Oncogenic.

Submissions 23 to 35 of 35:

Spanish ATM Cancer Susceptibility Variant Interpretation Working Group
Classification: Pathogenic for Hereditary cancer-predisposing syndrome. Last evaluated: 2020-06-17. Review status: criteria provided, single submitter. Criteria: Feliubadaló L et al. (Clin Chem 2021). Collection method: clinical testing. Allele origin: germline. Affected: yes. Observed: 2 heterozygotes. Clinical features observed: Bilateral breast cancer, Ovarian cancer.
Comment: The c.2921+1G>A variant is located in the canonical donor splice site of intron 19, and it is predicted to cause the skipping of exon 19 and disruption of the reading frame, and to undergo nonsense mediated decay (NMD) (PVS1). It has an allele frequency of 0.000021 (0.002%, 5/236,780 alleles) in the gnomAD v2.1.1 non-cancer dataset, with a maximal frequency of 0.000067 (0.006721%, 1/14878 alleles) in the African subpopulation (no population frequency criterion met). It has been described in trans with a (likely) pathogenic ATM variant in three ataxia-telangiectasia probands and in homozygosis in two additional ataxia-telangiectasia probands, which awards 4 points to this variant as per ClinGen SVI Recommendation for in trans Criterion (PM3_VeryStrong ; PMID: 8968760; PMID: 11298136; PMID: 12815592). Moreover, there is an RNA assay which confirms the deletion of 83bp of exon 19 leading to NMD (PS3_Supporting; PMID: 11298136). Therefore, this variant meets criteria to be classified as pathogenic. Adapted ACMG/AMP rules applied as defined by the Spanish ATM working group: PVS1 + PM3_VeryStrong + PS3_Supporting (PMID: 33280026).

Blueprint Genetics
Classification: Pathogenic for ATM-related disorders. Last evaluated: 2020-01-17. Review status: criteria provided, single submitter. Criteria: ACMG Guidelines, 2015. Collection method: clinical testing. Allele origin: germline. Affected: yes. Observed: 3 variant alleles.

Genetic Services Laboratory, University of Chicago
Classification: Pathogenic. Last evaluated: 2019-12-09. Review status: criteria provided, single submitter. Criteria: ACMG Guidelines, 2015. Collection method: clinical testing. Allele origin: germline. Affected: yes.
Comment: DNA sequence analysis of the ATM gene demonstrated a sequence change in the canonical splice donor site of intron 19, c.2921+1G>A. This sequence change has been previously described in patients with Ataxia-telangiectasia in both homozygous and compound heterozygous state (Garc?a-P?rez et al., 2001; Gilad et al., 1996 and Jeddane et al., 2013). This sequence change has been described in the gnomAD database with a population frequency of 0.0024% (rs587781558). This sequence change is predicted to affect normal splicing of the ATM gene and result in an abnormal protein. These collective evidences indicate that this sequence change is pathogenic.

Revvity Omics, Revvity
Classification: Pathogenic for Ataxia-telangiectasia syndrome. Last evaluated: 2019-02-11. Review status: criteria provided, single submitter. Criteria: ACMG Guidelines, 2015. Collection method: clinical testing. Allele origin: germline.

Women's Health and Genetics/Laboratory Corporation of America, LabCorp
Classification: Pathogenic for Ataxia-telangiectasia syndrome. Last evaluated: 2017-01-19. Review status: criteria provided, single submitter. Criteria: LabCorp Variant Classification Summary - May 2015. Collection method: clinical testing. Allele origin: germline.
Comment: Variant summary: The ATM c.2921+1G>A variant involves the alteration of a conserved intronic nucleotide, which 4/5 splice prediction tools predict a significant impact on normal splicing and ESE finder predicts the removal of an ESE binding site. The variant of interest was observed in the large, broad control population, ExAC, with an allele frequency of 3/121072 (1/40355), which does not exceed the estimated maximal expected allele frequency for a pathogenic ATM variant of 1/252 for Ataxia-Telangiectasia. Multiple publications cite the variant in A-T patients that were homozygous or compound heterozygous. In addition, multiple clinical diagnostic laboratories/reputable databases classified this variant as pathogenic. Taken together, this variant is classified as pathogenic.

ARUP Laboratories, Molecular Genetics and Genomics, ARUP Laboratories
Classification: Pathogenic. Last evaluated: 2016-08-29. Review status: criteria provided, single submitter. Criteria: ARUP Molecular Germline Variant Investigation Process. Collection method: clinical testing. Allele origin: germline.

Genesis Genomics
Classification: Pathogenic for Familial cancer of breast. Review status: criteria provided, single submitter. Criteria: ACMG Guidelines, 2015. Collection method: clinical testing. Allele origin: germline. Affected: yes. Observed: 1 variant allele.

Juno Genomics, Hangzhou Juno Genomics, Inc
Classification: Pathogenic for Familial cancer of breast; Ataxia-telangiectasia syndrome. Review status: criteria provided, single submitter. Criteria: ACMG Guidelines, 2015. Collection method: clinical testing. Allele origin: germline.
Comment: Absent from controls (or at extremely low frequency if recessive) in Genome Aggregation Database.;Null variant in a gene where loss of function (LOF) is a known mechanism of disease.;For recessive disorders, detected in trans with a pathogenic variant.

PreventionGenetics, part of Exact Sciences
Classification: Pathogenic for ATM-related condition. Last evaluated: 2024-05-23. Review status: no assertion criteria provided. Collection method: clinical testing. Allele origin: germline. Not counted in ClinVar's aggregate classification.
Comment: The ATM c.2921+1G>A variant is predicted to disrupt the GT donor site and interfere with normal splicing. This variant has been reported to be causative for autosomal recessive ataxia telangiectasia (A-T) (HGMD: Gilad et al. 1996. PubMed ID: 8845835, reported as 2839del83; García-Pérez et al. 2001. PubMed ID: 11298136, reported as IVS21+1G>CA). Studies have shown that heterozygous female relatives of A-T patients have an increased risk of developing breast cancer when compared to the general population (Swift et al. 1976. PubMed ID: 1248000; Renwick et al. 2006. PubMed ID: 16832357). The c.2921+1G>A variant was identified in a screening study of Spanish patients with hereditary breast cancer (Grana et al. 2011. PubMed ID: 21445571). This variant is reported in 0.012% of alleles in individuals of African descent in gnomAD and is interpreted as likely pathogenic/pathogenic in ClinVar. Variants that disrupt the consensus splice donor site in ATM are expected to be pathogenic. This variant is interpreted as pathogenic.

CZECANCA consortium
Classification: Pathogenic for Endometrial carcinoma. Last evaluated: 2023-02-21. Review status: no assertion criteria provided. Collection method: clinical testing. Allele origin: germline. Affected: yes. Observed: 1 variant allele. Not counted in ClinVar's aggregate classification.

Counsyl
Classification: Likely pathogenic for Ataxia-telangiectasia syndrome. Last evaluated: 2014-04-03. Review status: no assertion criteria provided. Collection method: literature only. Allele origin: unknown. Inheritance: Autosomal recessive inheritance. Not counted in ClinVar's aggregate classification.

Dr. Peter K. Rogan Lab, Western University
No classification provided (evidence only). Condition: Clear cell carcinoma of kidney. Review status: no classification provided. Collection method: in vitro. Allele origin: not applicable. Functional consequence: skipped exon. Not counted in ClinVar's aggregate classification.

Franklin by Genoox
Classification: Pathogenic. Review status: no assertion criteria provided. Collection method: clinical testing. Allele origin: unknown. Affected: yes. Not counted in ClinVar's aggregate classification.

Literature cited by the submitters: PubMed 11298136 (cited by 11 submitters); PubMed 23322442 (cited by 11 submitters); PubMed 31741144 (cited by 4 submitters); PubMed 33840814 (cited by Hema, HEMA – Genetic and Molecular Diagnostic Laboratory); PubMed 34337741 (cited by Hema, HEMA – Genetic and Molecular Diagnostic Laboratory and Color Diagnostics, LLC DBA Color Health); PubMed 8845835 (cited by 11 submitters); PubMed 12673797 (cited by 5 submitters); PubMed 12815592 (cited by 11 submitters); PubMed 10425038 (cited by 6 submitters); PubMed 29486991 (cited by 3 submitters); PubMed 38874686 (cited by Athena Diagnostics and Quest Diagnostics Nichols Institute San Juan Capistrano); PubMed 26689913 (cited by Athena Diagnostics and Quest Diagnostics Nichols Institute San Juan Capistrano); PubMed 28152038 (cited by Athena Diagnostics and Quest Diagnostics Nichols Institute San Juan Capistrano); PubMed 29625052 (cited by Athena Diagnostics and Quest Diagnostics Nichols Institute San Juan Capistrano); PubMed 32832836 (cited by Athena Diagnostics and Quest Diagnostics Nichols Institute San Juan Capistrano); PubMed 33462019 (cited by 3 submitters); PubMed 21445571 (cited by Athena Diagnostics and Quest Diagnostics Nichols Institute San Juan Capistrano); PubMed 30338439 (cited by Athena Diagnostics and Quest Diagnostics Nichols Institute San Juan Capistrano); PubMed 35451682 (cited by Athena Diagnostics and Quest Diagnostics Nichols Institute San Juan Capistrano); PubMed 38520597 (cited by Athena Diagnostics and Quest Diagnostics Nichols Institute San Juan Capistrano); PubMed 27443514 (cited by Athena Diagnostics and Quest Diagnostics Nichols Institute San Juan Capistrano); PubMed 34204722 (cited by 5 submitters); PubMed 20301790 (cited by Victorian Clinical Genetics Services, Murdoch Childrens Research Institute); PubMed 22585167 (cited by Victorian Clinical Genetics Services, Murdoch Childrens Research Institute); PubMed 26506520 (cited by Victorian Clinical Genetics Services, Murdoch Childrens Research Institute); PubMed 27595995 (cited by Victorian Clinical Genetics Services, Murdoch Childrens Research Institute); PubMed 27884168 (cited by Victorian Clinical Genetics Services, Murdoch Childrens Research Institute); PubMed 27978560 (cited by Victorian Clinical Genetics Services, Murdoch Childrens Research Institute); PubMed 31214711 (cited by Color Diagnostics, LLC DBA Color Health); PubMed 32315455 (cited by Color Diagnostics, LLC DBA Color Health); PubMed 35652560 (cited by Color Diagnostics, LLC DBA Color Health); PubMed 30192042 (cited by Illumina Laboratory Services, Illumina); PubMed 32461654 (cited by Illumina Laboratory Services, Illumina); PubMed 1300551 (cited by Sema4); PubMed 33280026 (cited by Sema4); PubMed 31050087 (cited by Sema4); PubMed 8968760 (cited by Spanish ATM Cancer Susceptibility Variant Interpretation Working Group).